The following is an entry in ClinVar:

NM_000088.4(COL1A1):c.3046-1G>A

Gene: COL1A1 (collagen type I alpha 1 chain; minus strand). Cytogenetic location: 17q21.33.
Variant type: single nucleotide variant.
Coding change: c.3046-1G>A on transcript NM_000088.4 (MANE Select); the canonical splice acceptor site of the intron before coding-DNA position 3046, G replaced by A.
Molecular consequence: splice acceptor variant.
Genome position (GRCh38, 1-based): chr17:50,188,796, C>T on the plus strand (G>A on the coding strand, the complement: COL1A1 is on the minus strand). VCF-style: chr17-50188796-C-T. GRCh37 (hg19) VCF-style: chr17-48266157-C-T.
Identifiers: ClinVar variation 4887821 (VCV004887821.1).

ClinVar aggregate classification (germline): Pathogenic (1 of 4 stars; one submission).

Submission:

GeneDx
Classification: Pathogenic. Last evaluated: 2026-02-23. Review status: criteria provided, single submitter. Criteria: GeneDx Variant Classification Process June 2021. Collection method: clinical testing. Allele origin: germline.
Comment: Previously reported in association with osteogenesis imperfecta; detailed clinical and segregation information was not reported (PMID: 17078022); Canonical splice site variant predicted to result in a null allele in a gene for which loss of function is a known mechanism of disease; Not observed at significant frequency in large population cohorts (gnomAD); This variant is associated with the following publications: (PMID: 25525159, 17078022, 15241796)